The following is an entry in ClinVar:

NM_001204.7(BMPR2):c.247+1_247+7del

Gene: BMPR2 (bone morphogenetic protein receptor type 2; plus strand). Cytogenetic location: 2q33.1.
Variant type: Deletion.
Coding change: c.247+1_247+7del on transcript NM_001204.7 (MANE Select); the canonical splice donor site of the intron after coding-DNA position 247 through 7 bases into the intron after coding-DNA position 247, 7 bases deleted (GCAAGTG; older notation c.247+1_247+7delGCAAGTG).
Molecular consequence: splice donor variant.
Genome position (GRCh38, 1-based): chr2:202,464,980-202,464,986, GCAAGTG deleted; deleting any 7 consecutive bases within chr2:202,464,979-202,464,986 gives the same sequence; the c. name uses the placement nearest the transcript's 3' end. VCF-style (leftmost placement, unchanged base first): chr2-202464978-AGGCAAGT-A. GRCh37 (hg19) VCF-style: chr2-203329701-AGGCAAGT-A.
Other names: c.247+1_247+7del (LRG_712t1); c.247+1_247+7delGCAAGTG (NM_001204.6).
Identifiers: ClinVar variation 425731 (VCV000425731.3), dbSNP rs1085307189, ClinGen allele CA645294001.

ClinVar aggregate classification (germline): Likely pathogenic. Review status: reviewed by expert panel (3 of 4 stars). 2 submissions from 2 submitters: Likely pathogenic (1). 1 of the submissions does not count toward it. Last evaluated 2026-01-30.

Conditions:
Pulmonary arterial hypertension. Identifiers: Orphanet 182090, MedGen C2973725, MeSH D000081029, MONDO:0015924, HP:0002092.
Pulmonary hypertension, primary, 1 (PPH1). Also called: Pulmonary hypertension, familial primary, 1, with or without HHT. Identifiers: Orphanet 422, MedGen C4552070, MONDO:0024533, OMIM 178600.

Submissions (2):

Clingen Pulmonary Hypertension Variant Curation Expert Panel, ClinGen
Classification: Likely pathogenic for Pulmonary arterial hypertension. Last evaluated: 2026-01-30. Review status: reviewed by expert panel. Criteria: ClinGen PH ACMG Specifications BMPR2 V2.0.0. Collection method: curation. Allele origin: germline. Inheritance: Autosomal dominant inheritance.
Comment: The NM_001204.7(BMPR2) c.247+1_247+7del variant is a 7 bp deletion spanning the canonical donor splice site of intron 2. This variant is absent from gnomAD v2.1.1 controls and v4.1 (PM2_supporting). It is predicted to cause skipping of biologically relevant exon 2 but is predicted to escape nonsense-mediated decay. The alternative splicing would cause a partial loss of the functionally critical extracellular domain of the BMPR2 receptor, which is located at amino acids 33-131 (PVS1_strong). PP3 was not applied to avoid double counting. Two other variants affecting this splice site, c.247+6 and c.247+5, were shown by RT-PCR to lead to partial loss of exon 2 (Cogan et. al 2006 PMID:16728714) and were classified as likely pathogenic by the PH VCEP (PS1_moderate). PP1, PS2, PM6 were not assessed due to absence of co-segregation data. In summary, this variant meets the criteria to be classified as likely pathogenic for autosomal dominant pulmonary arterial hypertension based on the ACMG/AMP criteria applied, as specified by the ClinGen Pulmonary Hypertension VCEP: PVS1_strong, PS1_moderate, PM2_supporting. (VCEP specifications version 2.0, 1/30/2026)

Rare Disease Genomics Group, St George's University of London
Classification: Pathogenic for Primary pulmonary hypertension. Review status: no assertion criteria provided. Collection method: literature only. Allele origin: germline. Affected: yes. Not counted in ClinVar's aggregate classification.

Literature cited by the submitters: PubMed 19555857 (cited by Rare Disease Genomics Group, St George's University of London).